The following is an entry in ClinVar:

ClinVar aggregate classification (germline): Likely benign. Review status: criteria provided, multiple submitters, no conflicts (2 of 4 stars). 2 submissions from 2 submitters: Likely benign (2). Last evaluated 2025-12-22.

Conditions:
COL4A6-related disorder. Also called: COL4A6-related condition.

Allele frequency attached by ClinVar (database versions not stated): ExAC 0.00001; gnomAD 0.00001; gnomAD exomes 0.00001.
gnomAD v4.1: 14 of 1,207,148 alleles (0.0012%); highest among the groups gnomAD compares: Middle Eastern, 0.23%; no homozygotes.

Submissions (2):

PreventionGenetics, part of Exact Sciences
Classification: Likely benign for COL4A6-related condition. Last evaluated: 2025-12-22. Review status: criteria provided, single submitter. Criteria: ACMG Guidelines, 2015. Collection method: clinical testing. Allele origin: germline.
Comment: This variant is classified as likely benign based on ACMG/AMP sequence variant interpretation guidelines (Richards et al. 2015 PMID: 25741868, with internal and published modifications).

Labcorp Genetics (formerly Invitae), Labcorp
Classification: Likely benign. Last evaluated: 2023-05-12. Review status: criteria provided, single submitter. Criteria: Invitae Variant Classification Sherloc (09022015). Collection method: clinical testing. Allele origin: germline.

NM_033641.4(COL4A6):c.511-6T>C

Gene: COL4A6 (collagen type IV alpha 6 chain; minus strand). Cytogenetic location: Xq22.3.
Variant type: single nucleotide variant.
Coding change: c.511-6T>C on transcript NM_033641.4 (MANE Select); 6 bases into the intron before coding-DNA position 511, T replaced by C.
Molecular consequence: intron variant.
Genome position (GRCh38, 1-based): chrX:108,210,010, A>G on the plus strand (T>C on the coding strand, the complement: COL4A6 is on the minus strand). VCF-style: chrX-108210010-A-G. GRCh37 (hg19) VCF-style: chrX-107453240-A-G.
Other names: c.514-6T>C (NM_001847.3, NM_001847.4); c.511-6T>C (NM_001287760.2, NM_001287759.2, NM_001287758.2).
Identifiers: ClinVar variation 2722934 (VCV002722934.4), dbSNP rs757853873, ClinGen allele CA10488142.